The following is an entry in ClinVar:

ClinVar aggregate classification (germline): Uncertain significance (1 of 4 stars; one submission).

gnomAD v4.1: 14 of 1,612,278 alleles (0.00087%); highest among the groups gnomAD compares: Middle Eastern, 0.066%; no homozygotes.

Submission:

GeneDx
Classification: Uncertain significance. Last evaluated: 2023-08-04. Review status: criteria provided, single submitter. Criteria: GeneDx Variant Classification Process June 2021. Collection method: clinical testing. Allele origin: germline. Affected: yes.
Comment: Not observed at significant frequency in large population cohorts (gnomAD); In silico analysis supports that this missense variant does not alter protein structure/function; Has not been previously published as pathogenic or benign to our knowledge

NM_001384125.1(BLTP1):c.2129G>A (p.Arg710His)

Gene: BLTP1 (bridge-like lipid transfer protein family member 1; plus strand). Cytogenetic location: 4q27.
Variant type: single nucleotide variant.
Coding change: c.2129G>A on transcript NM_001384125.1 (MANE Select); coding-DNA position 2129, G replaced by A.
Protein change: p.Arg710His; replaces arginine 710 with histidine.
Molecular consequence: missense variant.
Genome position (GRCh38, 1-based): chr4:122,210,977, G>A. VCF-style: chr4-122210977-G-A. GRCh37 (hg19) VCF-style: chr4-123132132-G-A.
Other names: c.2129G>A, p.Arg710His (NM_015312.4); short protein forms R710H.
Identifiers: ClinVar variation 3361860 (VCV003361860.1).
Genomic context (GRCh38, chr4:122,210,977, plus strand): 5'-TATTAAGGCCATCCCAGAAGACATCAGACAGAGTTGTTTCTTCTCCCTCTACTTCTTCAC[G>A]CCCACCTATTGATCCCTCAGAACTTCCACCTGATAAACTTCATGTAGAAATGGAACTTTC-3'
Protein context (NP_001371054.1, residues 700-720): RVVSSPSTSS[Arg710His]PPIDPSELPP